The following is an entry in ClinVar:

NM_000059.4(BRCA2):c.5448C>A (p.Ser1816Arg)

Gene: BRCA2 (BRCA2 DNA repair associated; plus strand). Cytogenetic location: 13q13.1.
Variant type: single nucleotide variant.
Coding change: c.5448C>A on transcript NM_000059.4 (MANE Select); coding-DNA position 5448, C replaced by A.
Protein change: p.Ser1816Arg; replaces serine 1816 with arginine.
Molecular consequence: missense variant.
Genome position (GRCh38, 1-based): chr13:32,339,803, C>A. VCF-style: chr13-32339803-C-A. GRCh37 (hg19) VCF-style: chr13-32913940-C-A.
Other names: short protein forms S1816R.
Identifiers: ClinVar variation 628909 (VCV000628909.7), dbSNP rs1566232467, ClinGen allele CA387785579.
Genomic context (GRCh38, chr13:32,339,803, plus strand): 5'-TGCAAATGCATACCCACAAACTGTAAATGAAGATATTTGCGTTGAGGAACTTGTGACTAG[C>A]TCTTCACCCTGCAAAAATAAAAATGCAGCCATTAAATTGTCCATATCTAATAGTAATAAT-3'
Protein context (NP_000050.3, residues 1806-1826): EDICVEELVT[Ser1816Arg]SSPCKNKNAA

ClinVar aggregate classification (germline): Conflicting classifications of pathogenicity. Review status: criteria provided, conflicting classifications (1 of 4 stars). 2 submissions from 2 submitters: Uncertain significance (1); Likely benign (1). Last evaluated 2023-12-05.

Conditions:
Hereditary cancer-predisposing syndrome. Also called: Neoplastic Syndromes, Hereditary; Tumor predisposition; Hereditary neoplastic syndrome; Hereditary Cancer Syndrome. Identifiers: Orphanet 140162, MedGen C0027672, MeSH D009386, MONDO:0015356.

Submissions (2):

Color Diagnostics, LLC DBA Color Health
Classification: Uncertain significance for Hereditary cancer-predisposing syndrome. Last evaluated: 2023-12-05. Review status: criteria provided, single submitter. Criteria: ACMG Guidelines, 2015. Collection method: clinical testing. Allele origin: germline.
Comment: This missense variant replaces serine with arginine at codon 1816 of the BRCA2 protein. Computational prediction suggests that this variant may not impact protein structure and function (internally defined REVEL score threshold <= 0.5, PMID: 27666373). To our knowledge, functional studies have not been reported for this variant. This variant has not been reported in individuals affected with BRCA2-related disorders in the literature. This variant has not been identified in the general population by the Genome Aggregation Database (gnomAD). The available evidence is insufficient to determine the role of this variant in disease conclusively. Therefore, this variant is classified as a Variant of Uncertain Significance.

University of Washington Department of Laboratory Medicine, University of Washington
Classification: Likely benign for Hereditary cancer-predisposing syndrome. Last evaluated: 2023-03-23. Review status: criteria provided, single submitter. Criteria: Dines et al. (Genet Med. 2020). Collection method: curation. Allele origin: germline.
Comment: Missense variant in a coldspot region where missense variants are very unlikely to be pathogenic (PMID:31911673).

BRCA2 exon 11 coldspot. Reclassification based on statistical prior probability.